The following is an entry in ClinVar:

NM_001927.4(DES):c.544_558del (p.Asn182_Asp186del)

Gene: DES (desmin; plus strand). Cytogenetic location: 2q35.
Variant type: Deletion.
Coding change: c.544_558del on transcript NM_001927.4 (MANE Select); coding-DNA positions 544 to 558, 15 bases deleted (AACCTGCTCGACGAC).
Protein change: p.Asn182_Asp186del.
Molecular consequence: inframe deletion. On other transcripts: intron variant (1).
Genome position (GRCh38, 1-based): chr2:219,419,006-219,419,020, AACCTGCTCGACGAC deleted; deleting any 15 consecutive bases within chr2:219,419,002-219,419,020 gives the same sequence; the c. name uses the placement nearest the transcript's 3' end. VCF-style (leftmost placement, unchanged base first): chr2-219419001-GCGACAACCTGCTCGA-G. GRCh37 (hg19) VCF-style: chr2-220283723-GCGACAACCTGCTCGA-G.
Other names: c.544_558del, p.Asn182_Asp186del (NM_001382708.1, NM_001382709.1, NM_001382710.1 and 2 more transcripts); c.495+49_495+63del (NM_001382713.1).
Identifiers: ClinVar variation 2018022 (VCV002018022.4), dbSNP rs2545248354, ClinGen allele CA2580065795.
Genomic context (GRCh38, chr2:219,419,001, plus strand): 5'-GGGAGCTGCGGCGCCAGGTGGAGGTGCTCACTAACCAGCGCGCGCGCGTCGACGTCGAGC[GCGACAACCTGCTCGA>G]CGACCTGCAGCGGCTCAAGGCCAAGTGAGGGCCCGGCACCCCAGACTCCTCTTTCTGCGG-3'

ClinVar aggregate classification (germline): Uncertain significance (1 of 4 stars; one submission).

Conditions:
Desmin-related myofibrillar myopathy (MFM1). Also called: Desminopathy; Desmin related myopathy (former name); Desmin storage myopathy (former name); Myofibrillar myopathy 1; MYOFIBRILLAR MYOPATHY WITH ARRHYTHMOGENIC RIGHT VENTRICULAR CARDIOMYOPATHY; DESMIN-RELATED MYOPATHY WITH ARRHYTHMOGENIC RIGHT VENTRICULAR CARDIOMYOPATHY. Identifiers: Orphanet 363543, Orphanet 98909, MedGen C1832370, MONDO:0011076, OMIM 601419.

Submission:

Labcorp Genetics (formerly Invitae), Labcorp
Classification: Uncertain significance for Desmin-related myofibrillar myopathy. Last evaluated: 2022-07-19. Review status: criteria provided, single submitter. Criteria: Invitae Variant Classification Sherloc (09022015). Collection method: clinical testing. Allele origin: germline.
Comment: In summary, the available evidence is currently insufficient to determine the role of this variant in disease. Therefore, it has been classified as a Variant of Uncertain Significance. Experimental studies and prediction algorithms are not available or were not evaluated, and the functional significance of this variant is currently unknown. This variant has not been reported in the literature in individuals affected with DES-related conditions. This variant is not present in population databases (gnomAD no frequency). This variant, c.544_558del, results in the deletion of 5 amino acid(s) of the DES protein (p.Asn182_Asp186del), but otherwise preserves the integrity of the reading frame.